The following is an entry in ClinVar:

ClinVar aggregate classification (germline): Uncertain significance (1 of 4 stars; one submission).

Conditions:
Duchenne muscular dystrophy (DMD). Also called: MUSCULAR DYSTROPHY, PSEUDOHYPERTROPHIC PROGRESSIVE, DUCHENNE TYPE; Duchenne Muscular Dystrophy (DMD). Identifiers: Orphanet 98896, MedGen C0013264, MONDO:0010679, OMIM 310200.

Allele frequency attached by ClinVar (database versions not stated): gnomAD exomes below 0.00001; TOPMed below 0.00001; ExAC 0.00001; gnomAD 0.00001; ESP Exome Variant Server 0.00009.
gnomAD v4.1: 2 of 1,208,571 alleles (0.00017%); highest among the groups gnomAD compares: Non-Finnish European, 0.00022%; no homozygotes.

Submission:

Labcorp Genetics (formerly Invitae), Labcorp
Classification: Uncertain significance for Duchenne muscular dystrophy. Last evaluated: 2022-07-11. Review status: criteria provided, single submitter. Criteria: Invitae Variant Classification Sherloc (09022015). Collection method: clinical testing. Allele origin: germline.
Comment: This sequence change replaces glycine, which is neutral and non-polar, with alanine, which is neutral and non-polar, at codon 1643 of the DMD protein (p.Gly1643Ala). The frequency data for this variant in the population databases is considered unreliable, as metrics indicate poor data quality at this position in the gnomAD database. This variant has not been reported in the literature in individuals affected with DMD-related conditions. Algorithms developed to predict the effect of missense changes on protein structure and function are either unavailable or do not agree on the potential impact of this missense change (SIFT: "Tolerated"; PolyPhen-2: "Possibly Damaging"; Align-GVGD: "Class C0"). In summary, the available evidence is currently insufficient to determine the role of this variant in disease. Therefore, it has been classified as a Variant of Uncertain Significance.

NM_004006.3(DMD):c.4928G>C (p.Gly1643Ala)

Gene: DMD (dystrophin; minus strand). Cytogenetic location: Xp21.1.
Variant type: single nucleotide variant.
Coding change: c.4928G>C on transcript NM_004006.3 (MANE Select); coding-DNA position 4928, G replaced by C.
Protein change: p.Gly1643Ala; replaces glycine 1643 with alanine.
Molecular consequence: missense variant.
Genome position (GRCh38, 1-based): chrX:32,365,117, C>G on the plus strand (G>C on the coding strand, the complement: DMD is on the minus strand). VCF-style: chrX-32365117-C-G. GRCh37 (hg19) VCF-style: chrX-32383234-C-G.
Other names: c.4904G>C, p.Gly1635Ala (NM_000109.4); c.4916G>C, p.Gly1639Ala (NM_004009.3); c.4559G>C, p.Gly1520Ala (NM_004010.3); c.905G>C, p.Gly302Ala (NM_004011.4); c.896G>C, p.Gly299Ala (NM_004012.4); short protein forms G1520A, G1635A, G1643A, G1639A, G299A, G302A.
Identifiers: ClinVar variation 2016212 (VCV002016212.1), dbSNP rs373723470, ClinGen allele CA10378822.